The following is an entry in ClinVar:

ClinVar aggregate classification (germline): Likely benign. Review status: criteria provided, single submitter (1 of 4 stars). 2 submissions from 2 submitters: Likely benign (1). 1 of the submissions does not count toward it. Last evaluated 2021-04-20.

Conditions:
EBF3-related disorder. Identifiers: MedGen CN239924.

Allele frequency attached by ClinVar (database versions not stated): TOPMed 0.00001; gnomAD 0.00003; ESP Exome Variant Server 0.00008; 1000 Genomes Project 0.00020; 1000 Genomes Project 30x 0.00031.
gnomAD v4.1: 44 of 1,614,122 alleles (0.0027%); highest among the groups gnomAD compares: South Asian, 0.0055%; no homozygotes.

Submissions (2):

Blueprint Genetics
Classification: Likely benign. Last evaluated: 2021-04-20. Review status: criteria provided, single submitter. Criteria: ACMG Guidelines, 2015. Collection method: clinical testing. Allele origin: germline.

PreventionGenetics, part of Exact Sciences
Classification: Likely benign for EBF3-related condition. Last evaluated: 2019-03-20. Review status: no assertion criteria provided. Collection method: clinical testing. Allele origin: germline. Not counted in ClinVar's aggregate classification.
Comment: This variant is classified as likely benign based on ACMG/AMP sequence variant interpretation guidelines (Richards et al. 2015 PMID: 25741868, with internal and published modifications).

NM_001375380.1(EBF3):c.966C>T (p.Gly322=)

Genes: EBF3 (EBF transcription factor 3; minus strand), EBF3-AS1 (EBF3 antisense RNA 1; plus strand). Cytogenetic location: 10q26.3.
Variant type: single nucleotide variant.
Coding change: c.966C>T on transcript NM_001375380.1 (MANE Select); coding-DNA position 966, C replaced by T.
Protein change: p.Gly322=; no amino-acid change (glycine 322 retained).
Molecular consequence: synonymous variant.
Genome position (GRCh38, 1-based): chr10:129,867,214, G>A on the plus strand (C>T on the coding strand, the complement: EBF3 is on the minus strand). VCF-style: chr10-129867214-G-A. GRCh37 (hg19) VCF-style: chr10-131665478-G-A.
Other names: c.939C>T, p.Gly313= (NM_001005463.3, NM_001375390.1, NM_001375392.1); c.966C>T, p.Gly322= (NM_001375379.1, NM_001375389.1, NM_001375391.1).
Identifiers: ClinVar variation 3057294 (VCV003057294.3), dbSNP rs151206880, ClinGen allele CA5748556.